The following is an entry in ClinVar:

ClinVar aggregate classification (germline): Uncertain significance. Review status: criteria provided, multiple submitters, no conflicts (2 of 4 stars). 2 submissions from 2 submitters: Uncertain significance (2). Last evaluated 2024-01-03.

Conditions:
Hereditary cancer-predisposing syndrome. Also called: Neoplastic Syndromes, Hereditary; Tumor predisposition; Hereditary neoplastic syndrome; Hereditary Cancer Syndrome. Identifiers: Orphanet 140162, MedGen C0027672, MeSH D009386, MONDO:0015356.

Submissions (2):

Labcorp Genetics (formerly Invitae), Labcorp
Classification: Uncertain significance. Last evaluated: 2024-01-03. Review status: criteria provided, single submitter. Criteria: Invitae Variant Classification Sherloc (09022015). Collection method: clinical testing. Allele origin: germline.
Comment: This sequence change replaces valine, which is neutral and non-polar, with leucine, which is neutral and non-polar, at codon 401 of the MSH3 protein (p.Val401Leu). This variant is not present in population databases (gnomAD no frequency). This variant has not been reported in the literature in individuals affected with MSH3-related conditions. ClinVar contains an entry for this variant (Variation ID: 663777). Algorithms developed to predict the effect of missense changes on protein structure and function output the following: SIFT: "Not Available"; PolyPhen-2: "Benign"; Align-GVGD: "Not Available". The leucine amino acid residue is found in multiple mammalian species, which suggests that this missense change does not adversely affect protein function. In summary, the available evidence is currently insufficient to determine the role of this variant in disease. Therefore, it has been classified as a Variant of Uncertain Significance.

Ambry Genetics
Classification: Uncertain significance for Hereditary cancer-predisposing syndrome. Last evaluated: 2022-02-15. Review status: criteria provided, single submitter. Criteria: Ambry Variant Classification Scheme 2023. Collection method: clinical testing. Allele origin: germline.
Comment: The p.V401L variant (also known as c.1201G>C), located in coding exon 8 of the MSH3 gene, results from a G to C substitution at nucleotide position 1201. The valine at codon 401 is replaced by leucine, an amino acid with highly similar properties. This amino acid position is conserved. In addition, this alteration is predicted to be tolerated by in silico analysis. Since supporting evidence is limited at this time, the clinical significance of this alteration remains unclear.

NM_002439.5(MSH3):c.1201G>C (p.Val401Leu)

Gene: MSH3 (mutS homolog 3; plus strand). Cytogenetic location: 5q14.1.
Variant type: single nucleotide variant.
Coding change: c.1201G>C on transcript NM_002439.5 (MANE Select); coding-DNA position 1201, G replaced by C.
Protein change: p.Val401Leu; replaces valine 401 with leucine.
Molecular consequence: missense variant.
Genome position (GRCh38, 1-based): chr5:80,678,954, G>C. VCF-style: chr5-80678954-G-C. GRCh37 (hg19) VCF-style: chr5-79974773-G-C.
Other names: short protein forms V401L.
Identifiers: ClinVar variation 663777 (VCV000663777.11), dbSNP rs1580556427, ClinGen allele CA360268868.